The following is an entry in ClinVar:

NM_007194.4(CHEK2):c.1226A>T (p.Asp409Val)

Gene: CHEK2 (checkpoint kinase 2; minus strand). Cytogenetic location: 22q12.1.
Variant type: single nucleotide variant.
Coding change: c.1226A>T on transcript NM_007194.4 (MANE Select); coding-DNA position 1226, A replaced by T.
Protein change: p.Asp409Val; replaces aspartic acid 409 with valine.
Molecular consequence: missense variant.
Genome position (GRCh38, 1-based): chr22:28,695,743, T>A on the plus strand (A>T on the coding strand, the complement: CHEK2 is on the minus strand). VCF-style: chr22-28695743-T-A. GRCh37 (hg19) VCF-style: chr22-29091731-T-A.
Other names: c.1355A>T, p.Asp452Val (NM_001005735.3); c.563A>T, p.Asp188Val (NM_001257387.3); c.1025A>T, p.Asp342Val (NM_001349956.3); c.1139A>T, p.Asp380Val (NM_145862.3); short protein forms D409V, D188V, D380V, D452V, D342V.
Identifiers: ClinVar variation 1406384 (VCV001406384.7), dbSNP rs761095543, ClinGen allele CA10167708.

ClinVar aggregate classification (germline): Uncertain significance (1 of 4 stars; one submission).

Conditions:
Familial cancer of breast. Also called: hereditary breast carcinoma; BREAST CANCER, FAMILIAL; Hereditary breast cancer. Identifiers: Orphanet 227535, MedGen C0346153, MONDO:0016419, OMIM 114480. Disease mechanism: loss of function.

Allele frequency attached by ClinVar (database versions not stated): gnomAD exomes below 0.00001 and 0.00001; TOPMed below 0.00001; ExAC 0.00001; gnomAD 0.00001.
gnomAD v4.1: 2 of 1,613,664 alleles (0.00012%); highest among the groups gnomAD compares: Admixed American, 0.0017%; no homozygotes.

Submission:

Labcorp Genetics (formerly Invitae), Labcorp
Classification: Uncertain significance for Familial cancer of breast. Last evaluated: 2025-02-07. Review status: criteria provided, single submitter. Criteria: Invitae Variant Classification Sherloc (09022015). Collection method: clinical testing. Allele origin: germline.
Comment: This sequence change replaces aspartic acid, which is acidic and polar, with valine, which is neutral and non-polar, at codon 409 of the CHEK2 protein (p.Asp409Val). This variant is present in population databases (rs761095543, gnomAD 0.003%). This variant has not been reported in the literature in individuals affected with CHEK2-related conditions. ClinVar contains an entry for this variant (Variation ID: 1406384). An algorithm developed to predict the effect of missense changes on protein structure and function (PolyPhen-2) suggests that this variant is likely to be disruptive. In summary, the available evidence is currently insufficient to determine the role of this variant in disease. Therefore, it has been classified as a Variant of Uncertain Significance.